The following is an entry in ClinVar:

NM_152703.5(SAMD9L):c.2495C>T (p.Thr832Ile)

Gene: SAMD9L (sterile alpha motif domain containing 9 like; minus strand). Cytogenetic location: 7q21.2.
Variant type: single nucleotide variant.
Coding change: c.2495C>T on transcript NM_152703.5 (MANE Select); coding-DNA position 2495, C replaced by T.
Protein change: p.Thr832Ile; replaces threonine 832 with isoleucine.
Molecular consequence: missense variant.
Genome position (GRCh38, 1-based): chr7:93,133,477, G>A on the plus strand (C>T on the coding strand, the complement: SAMD9L is on the minus strand). VCF-style: chr7-93133477-G-A. GRCh37 (hg19) VCF-style: chr7-92762790-G-A.
Other names: c.2495C>T, p.Thr832Ile (NM_001303496.3, NM_001303497.3, NM_001303498.3 and 5 more transcripts); short protein forms T832I.
Identifiers: ClinVar variation 2502474 (VCV002502474.2), dbSNP rs2535419944, ClinGen allele CA368187478.

ClinVar aggregate classification (germline): Uncertain significance. Review status: criteria provided, multiple submitters, no conflicts (2 of 4 stars). 2 submissions from 2 submitters: Uncertain significance (2). Last evaluated 2022-11-11.

Submissions (2):

GeneDx
Classification: Uncertain significance. Last evaluated: 2022-11-11. Review status: criteria provided, single submitter. Criteria: GeneDx Variant Classification Process June 2021. Collection method: clinical testing. Allele origin: germline. Affected: yes.
Comment: Not observed at significant frequency in large population cohorts (gnomAD); In silico analysis supports that this missense variant does not alter protein structure/function; Has not been previously published as pathogenic or benign to our knowledge; This variant is associated with the following publications: (PMID: 28545555)

Blueprint Genetics
Classification: Uncertain significance. Last evaluated: 2019-09-02. Review status: criteria provided, single submitter. Criteria: ACMG Guidelines, 2015. Collection method: clinical testing. Allele origin: germline.